The following is an entry in ClinVar:

NM_001365951.3(KIF1B):c.3235G>A (p.Glu1079Lys)

Gene: KIF1B (kinesin family member 1B; plus strand). Cytogenetic location: 1p36.22.
Variant type: single nucleotide variant.
Coding change: c.3235G>A on transcript NM_001365951.3 (MANE Select); coding-DNA position 3235, G replaced by A.
Protein change: p.Glu1079Lys; replaces glutamic acid 1079 with lysine.
Molecular consequence: missense variant.
Genome position (GRCh38, 1-based): chr1:10,337,179, G>A. VCF-style: chr1-10337179-G-A. GRCh37 (hg19) VCF-style: chr1-10397237-G-A.
Other names: c.3235G>A, p.Glu1079Lys (NM_001365952.1); c.3097G>A, p.Glu1033Lys (NM_015074.3); short protein forms E1033K, E1079K.
Identifiers: ClinVar variation 3226434 (VCV003226434.1), dbSNP rs1416174322, ClinGen allele CA338340015.

ClinVar aggregate classification (germline): Uncertain significance (1 of 4 stars; one submission).

Allele frequency attached by ClinVar (database versions not stated): gnomAD exomes below 0.00001.
gnomAD v4.1: 2 of 1,614,160 alleles (0.00012%); highest among the groups gnomAD compares: Non-Finnish European, 0.00017%; no homozygotes.

Submission:

Ambry Genetics
Classification: Uncertain significance. Last evaluated: 2023-12-29. Review status: criteria provided, single submitter. Criteria: Ambry Variant Classification Scheme 2023. Collection method: clinical testing. Allele origin: germline.
Comment: The p.E1033K variant (also known as c.3097G>A), located in coding exon 27 of the KIF1B gene, results from a G to A substitution at nucleotide position 3097. The glutamic acid at codon 1033 is replaced by lysine, an amino acid with similar properties. This amino acid position is conserved. In addition, this alteration is predicted to be deleterious by in silico analysis. Since supporting evidence is limited at this time, the clinical significance of this alteration remains unclear.